The following is an entry in ClinVar:

ClinVar aggregate classification (germline): Likely benign (0 of 4 stars; one submission).

Conditions:
SARDH-related disorder. Also called: SARDH-related condition.

Allele frequency attached by ClinVar (database versions not stated): gnomAD exomes 0.00009; ExAC 0.00091; gnomAD 0.00097; TOPMed 0.00110; ESP Exome Variant Server 0.00139; 1000 Genomes Project 0.00140; 1000 Genomes Project 30x 0.00156.
gnomAD v4.1: 271 of 1,520,674 alleles (0.018%); highest among the groups gnomAD compares: African/African-American, 0.34%; no homozygotes.

Submission:

PreventionGenetics, part of Exact Sciences
Classification: Likely benign for SARDH-related condition. Last evaluated: 2019-06-07. Review status: no assertion criteria provided. Collection method: clinical testing. Allele origin: germline.
Comment: This variant is classified as likely benign based on ACMG/AMP sequence variant interpretation guidelines (Richards et al. 2015 PMID: 25741868, with internal and published modifications).

NM_001134707.2(SARDH):c.283C>T (p.Leu95=)

Gene: SARDH (sarcosine dehydrogenase; minus strand). Cytogenetic location: 9q34.2.
Variant type: single nucleotide variant.
Coding change: c.283C>T on transcript NM_001134707.2 (MANE Select); coding-DNA position 283, C replaced by T.
Protein change: p.Leu95=; no amino-acid change (leucine 95 retained).
Molecular consequence: synonymous variant.
Genome position (GRCh38, 1-based): chr9:133,733,891, G>A on the plus strand (C>T on the coding strand, the complement: SARDH is on the minus strand). VCF-style: chr9-133733891-G-A. GRCh37 (hg19) VCF-style: chr9-136599013-G-A.
Other names: c.283C>T, p.Leu95= (NM_007101.4).
Identifiers: ClinVar variation 3044310 (VCV003044310.2), dbSNP rs141470749, ClinGen allele CA5314866.